The following is an entry in ClinVar:

NM_032112.3(MRPL43):c.21G>T (p.Pro7=)

Gene: MRPL43 (mitochondrial ribosomal protein L43; minus strand). Cytogenetic location: 10q24.31.
Variant type: single nucleotide variant.
Coding change: c.21G>T on transcript NM_032112.3 (MANE Select); coding-DNA position 21, G replaced by T.
Protein change: p.Pro7=; no amino-acid change (proline 7 retained).
Molecular consequence: synonymous variant.
Genome position (GRCh38, 1-based): chr10:100,987,423, C>A on the plus strand (G>T on the coding strand, the complement: MRPL43 is on the minus strand). VCF-style: chr10-100987423-C-A. GRCh37 (hg19) VCF-style: chr10-102747180-C-A.
Other names: c.21G>T, p.Pro7= (NM_001308396.2, NM_001394981.1, NM_001394982.1 and 5 more transcripts).
Identifiers: ClinVar variation 5039921 (VCV005039921.1).

ClinVar aggregate classification (germline): Likely benign (1 of 4 stars; one submission).

gnomAD v4.1: 38 of 1,612,162 alleles (0.0024%); highest among the groups gnomAD compares: Admixed American, 0.063%; no homozygotes.

Submission:

CeGaT Center for Human Genetics Tuebingen
Classification: Likely benign. Last evaluated: 2026-08-01. Review status: criteria provided, single submitter. Criteria: CeGaT Center For Human Genetics Tuebingen Variant Classification Criteria Version 2. Collection method: clinical testing. Allele origin: germline. Affected: yes. Observed: 1 variant allele.
Comment: MRPL43: BP4, BP7